The following is an entry in ClinVar:

ClinVar aggregate classification (germline): Likely benign. Review status: criteria provided, multiple submitters, no conflicts (2 of 4 stars). 4 submissions from 4 submitters: Likely benign (4). Last evaluated 2025-05-28.

Conditions:
GIPC3-related disorder. Also called: GIPC3-related condition.

Allele frequency attached by ClinVar (database versions not stated): gnomAD 0.00008; ESP Exome Variant Server 0.00015; TOPMed 0.00016.

Submissions (4):

PreventionGenetics, part of Exact Sciences
Classification: Likely benign for GIPC3-related condition. Last evaluated: 2025-05-28. Review status: criteria provided, single submitter. Criteria: ACMG Guidelines, 2015. Collection method: clinical testing. Allele origin: germline.
Comment: This variant is classified as likely benign based on ACMG/AMP sequence variant interpretation guidelines (Richards et al. 2015 PMID: 25741868, with internal and published modifications).

Labcorp Genetics (formerly Invitae), Labcorp
Classification: Likely benign. Last evaluated: 2024-12-02. Review status: criteria provided, single submitter. Criteria: Invitae Variant Classification Sherloc (09022015). Collection method: clinical testing. Allele origin: germline.

GeneDx
Classification: Likely benign. Last evaluated: 2020-11-24. Review status: criteria provided, single submitter. Criteria: GeneDx Variant Classification Process June 2021. Collection method: clinical testing. Allele origin: germline. Affected: yes.

Laboratory for Molecular Medicine, Mass General Brigham Personalized Medicine
Classification: Likely benign. Last evaluated: 2012-04-30. Review status: criteria provided, single submitter. Criteria: LMM Criteria. Collection method: clinical testing. Allele origin: germline. Observed: 1 variant allele.
Comment: Ala213Ala in Exon 04 of GIPC3: This variant is not expected to have clinical sig nificance because it does not alter an amino acid residue, is not located within the splice consensus sequence, and has been identified in 2/7020 European Ameri can chromosomes from a broad population by the NHLBI Exome Sequencing Project.

NM_133261.3(GIPC3):c.639G>A (p.Ala213=)

Gene: GIPC3 (GIPC PDZ domain containing family member 3; plus strand). Cytogenetic location: 19p13.3.
Variant type: single nucleotide variant.
Coding change: c.639G>A on transcript NM_133261.3 (MANE Select); coding-DNA position 639, G replaced by A.
Protein change: p.Ala213=; no amino-acid change (alanine 213 retained).
Molecular consequence: synonymous variant.
Genome position (GRCh38, 1-based): chr19:3,589,489, G>A. VCF-style: chr19-3589489-G-A. GRCh37 (hg19) VCF-style: chr19-3589487-G-A.
Identifiers: ClinVar variation 667115 (VCV000667115.15), dbSNP rs371566042, ClinGen allele CA9080475.